The following is an entry in ClinVar:

ClinVar aggregate classification (germline): Likely benign (1 of 4 stars; one submission).

Allele frequency attached by ClinVar (database versions not stated): gnomAD exomes 0.00005.

Submission:

CeGaT Center for Human Genetics Tuebingen
Classification: Likely benign. Last evaluated: 2023-08-01. Review status: criteria provided, single submitter. Criteria: CeGaT Center For Human Genetics Tuebingen Variant Classification Criteria Version 2. Collection method: clinical testing. Allele origin: germline. Affected: yes. Observed: 1 variant allele.
Comment: HRNR: BP4, BP7

NM_001009931.3(HRNR):c.3453T>C (p.Ser1151=)

Genes: CCDST (cervical cancer associated DHX9 suppressive transcript; plus strand), HRNR (hornerin; minus strand). Cytogenetic location: 1q21.3.
Variant type: single nucleotide variant.
Coding change: c.3453T>C on transcript NM_001009931.3 (MANE Select); coding-DNA position 3453, T replaced by C.
Protein change: p.Ser1151=; no amino-acid change (serine 1151 retained).
Molecular consequence: synonymous variant.
Genome position (GRCh38, 1-based): chr1:152,218,176, A>G on the plus strand (T>C on the coding strand, the complement: HRNR is on the minus strand). VCF-style: chr1-152218176-A-G. GRCh37 (hg19) VCF-style: chr1-152190652-A-G.
Identifiers: ClinVar variation 2639204 (VCV002639204.24), dbSNP rs200579715, ClinGen allele CA1101026.
Genomic context (GRCh38, chr1:152,218,176, plus strand): 5'-CTCGTGGTGACCAAAGCCAGAAGACTCGCCTAAGCCAGACCCATGTTGGCCACTGCTGGA[A>G]GACCGACCGGAGCCAGACCCATGTCGGCCGTAGCTGGGAGACTGCCTTGACCCAGACCCA-3'
Protein context (NP_001009931.1, residues 1141-1161): YGRHGSGSGR[Ser1151=]SSSGQHGSGL